The following is an entry in ClinVar:

NM_001037333.3(CYFIP2):c.3167T>A (p.Leu1056His)

Genes: CYFIP2 (cytoplasmic FMR1 interacting protein 2; plus strand), NIPAL4-DT (NIPAL4 divergent transcript; minus strand). Cytogenetic location: 5q33.3.
Variant type: single nucleotide variant.
Coding change: c.3167T>A on transcript NM_001037333.3 (MANE Select); coding-DNA position 3167, T replaced by A.
Protein change: p.Leu1056His; replaces leucine 1056 with histidine.
Molecular consequence: missense variant.
Genome position (GRCh38, 1-based): chr5:157,383,319, T>A. VCF-style: chr5-157383319-T-A. GRCh37 (hg19) VCF-style: chr5-156810327-T-A.
Other names: c.3089T>A, p.Leu1030His (NM_001291721.2); c.3242T>A, p.Leu1081His (NM_001291722.2); c.3167T>A, p.Leu1056His (NM_014376.4); short protein forms L1030H, L1056H, L1081H.
Identifiers: ClinVar variation 3602849 (VCV003602849.1).

ClinVar aggregate classification (germline): Uncertain significance (1 of 4 stars; one submission).

Submission:

GeneDx
Classification: Uncertain significance. Last evaluated: 2024-08-08. Review status: criteria provided, single submitter. Criteria: GeneDx Variant Classification Process June 2021. Collection method: clinical testing. Allele origin: germline. Affected: yes.
Comment: Not observed at significant frequency in large population cohorts (gnomAD); In silico analysis supports that this missense variant has a deleterious effect on protein structure/function; Has not been previously published as pathogenic or benign to our knowledge